The following is an entry in ClinVar:

ClinVar aggregate classification (germline): Likely pathogenic. Review status: reviewed by expert panel (3 of 4 stars). 2 submissions from 2 submitters: Likely pathogenic (1). 1 of the submissions does not count toward it. Last evaluated 2025-11-29.

Conditions:
Phenylketonuria (PKU). Also called: Phenylketonuria (PKU); OLIGOPHRENIA PHENYLPYRUVICA; FOLLING DISEASE; Phenylketonurias. Identifiers: Orphanet 716, MedGen C0031485, MONDO:0009861, OMIM 261600. Disease mechanism: loss of function.

Allele frequency attached by ClinVar (database versions not stated): gnomAD exomes below 0.00001; ExAC 0.00001; gnomAD 0.00001; ESP Exome Variant Server 0.00008.
gnomAD v4.1: 2 of 1,613,918 alleles (0.00012%); highest among the groups gnomAD compares: East Asian, 0.0022%; no homozygotes.

Submissions (2):

ClinGen PAH Variant Curation Expert Panel
Classification: Likely pathogenic for Phenylketonuria. Last evaluated: 2025-11-29. Review status: reviewed by expert panel. Criteria: ClinGen PAH ACMG Specifications v1. Collection method: curation. Allele origin: germline. Inheritance: Autosomal recessive inheritance.
Comment: The c.521T>A variant in PAH is a missense variant predicted to cause substitution of Isoleucine by Asparagine at amino acid 174 (p.Ile174Asn). At least one patient with this variant displayed plasma phenylalanine > 1.2 mmol/L, which is highly specific for PAH deficiency; BH4 deficiency was excluded by analysis of dihydropteridine reductase activity in red blood cells, biopterin loading test and/or pteridine analysis in urine (PP4_Moderate; PMID: 21307867, 23842451). Additional individuals with PAH deficiency were compound heterozygous for the variant and a pathogenic variant (phase unknown; c.1315+1G>A, p.P211T, 1.0 point, PMID: 23842451. The highest population minor allele frequency in gnomAD v4.1 is 0.00008010, which is lower than the ClinGen PAH threshold (<0.0002) for PM2_Supporting, meeting this criterion (PM2_Supporting). The computational predictor REVEL gives a SCORE of 0.929, which is between the threshold of 0.773 - 0.932, evidence that correlates with moderate impact to PAH function (PP3_moderate). In summary, this variant meets criteria to be classified as likely pathogenic for PAH deficiency based on the ACMG/AMP criteria applied, as specified by the ClinGen PAH VCEP: PP4_Moderate, PM2_supporting, PM3, PP3_moderate.

Labcorp Genetics (formerly Invitae), Labcorp
Classification: Pathogenic for Phenylketonuria. Last evaluated: 2025-12-03. Review status: criteria provided, single submitter. Criteria: Invitae Variant Classification Sherloc (09022015). Collection method: clinical testing. Allele origin: germline. Not counted in ClinVar's aggregate classification.
Comment: This sequence change replaces isoleucine, which is neutral and non-polar, with asparagine, which is neutral and polar, at codon 174 of the PAH protein (p.Ile174Asn). This variant is present in population databases (rs138809906, gnomAD 0.008%). This missense change has been observed in individuals with PAH-related conditions (PMID: 21307867, 32668217; internal data). ClinVar contains an entry for this variant (Variation ID: 2137408). Invitae Evidence Modeling of protein sequence and biophysical properties (such as structural, functional, and spatial information, amino acid conservation, physicochemical variation, residue mobility, and thermodynamic stability) indicates that this missense variant is expected to disrupt PAH protein function with a positive predictive value of 80%. This variant disrupts the p.Ile174 amino acid residue in PAH. Other variant(s) that disrupt this residue have been determined to be pathogenic (PMID: 18299955, 22526846, 23842451, 27121329; internal data). This suggests that this residue is clinically significant, and that variants that disrupt this residue are likely to be disease-causing. For these reasons, this variant has been classified as Pathogenic.

Literature cited by the submitters: PubMed 21307867 (cited by Labcorp Genetics (formerly Invitae), Labcorp); PubMed 32668217 (cited by Labcorp Genetics (formerly Invitae), Labcorp); PubMed 18299955 (cited by Labcorp Genetics (formerly Invitae), Labcorp); PubMed 22526846 (cited by Labcorp Genetics (formerly Invitae), Labcorp); PubMed 23842451 (cited by Labcorp Genetics (formerly Invitae), Labcorp); PubMed 27121329 (cited by Labcorp Genetics (formerly Invitae), Labcorp).

NM_000277.3(PAH):c.521T>A (p.Ile174Asn)

Gene: PAH (phenylalanine hydroxylase; minus strand). Cytogenetic location: 12q23.2.
Variant type: single nucleotide variant.
Coding change: c.521T>A on transcript NM_000277.3 (MANE Select); coding-DNA position 521, T replaced by A.
Protein change: p.Ile174Asn; replaces isoleucine 174 with asparagine.
Molecular consequence: missense variant.
Genome position (GRCh38, 1-based): chr12:102,855,321, A>T on the plus strand (T>A on the coding strand, the complement: PAH is on the minus strand). VCF-style: chr12-102855321-A-T. GRCh37 (hg19) VCF-style: chr12-103249099-A-T.
Other names: NM_000277.3:c.521T>A; c.521T>A, p.Ile174Asn (NM_001354304.2); short protein forms I174N.
Identifiers: ClinVar variation 2137408 (VCV002137408.4), dbSNP rs138809906, ClinGen allele CA6748896.